The following is an entry in ClinVar:

ClinVar aggregate classification (germline): Uncertain significance. Review status: criteria provided, multiple submitters, no conflicts (2 of 4 stars). 4 submissions from 4 submitters: Uncertain significance (4). Last evaluated 2024-01-02.

Conditions:
Primary ciliary dyskinesia 30. Also called: CILIARY DYSKINESIA, PRIMARY, 30, WITH OR WITHOUT SITUS INVERSUS. Identifiers: Orphanet 244, MedGen C4015016, MONDO:0014465, OMIM 616037.
Inborn genetic diseases. Identifiers: MedGen C0950123, MeSH D030342.

Allele frequency attached by ClinVar (database versions not stated): ExAC 0.00009; gnomAD 0.00009 and 0.00010; gnomAD exomes 0.00009; TOPMed 0.00013; ESP Exome Variant Server 0.00024.
gnomAD v4.1: 255 of 1,613,202 alleles (0.016%); highest among the groups gnomAD compares: Admixed American, 0.02%; no homozygotes.

Submissions (4):

Ambry Genetics
Classification: Uncertain significance for Inborn genetic diseases. Last evaluated: 2024-01-02. Review status: criteria provided, single submitter. Criteria: Ambry Variant Classification Scheme 2023. Collection method: clinical testing. Allele origin: germline.

Blueprint Genetics
Classification: Uncertain significance. Last evaluated: 2023-11-21. Review status: criteria provided, single submitter. Criteria: ACMG Guidelines, 2015. Collection method: clinical testing. Allele origin: germline.

Labcorp Genetics (formerly Invitae), Labcorp
Classification: Uncertain significance for Primary ciliary dyskinesia 30. Last evaluated: 2022-10-15. Review status: criteria provided, single submitter. Criteria: Invitae Variant Classification Sherloc (09022015). Collection method: clinical testing. Allele origin: germline.
Comment: This sequence change replaces glutamic acid, which is acidic and polar, with lysine, which is basic and polar, at codon 536 of the CCDC151 protein (p.Glu536Lys). This variant is present in population databases (rs201176850, gnomAD 0.02%). This variant has not been reported in the literature in individuals affected with CCDC151-related conditions. ClinVar contains an entry for this variant (Variation ID: 566365). Algorithms developed to predict the effect of missense changes on protein structure and function are either unavailable or do not agree on the potential impact of this missense change (SIFT: "Tolerated"; PolyPhen-2: "Probably Damaging"; Align-GVGD: "Class C0"). In summary, the available evidence is currently insufficient to determine the role of this variant in disease. Therefore, it has been classified as a Variant of Uncertain Significance.

Fulgent Genetics
Classification: Uncertain significance for Primary ciliary dyskinesia 30. Last evaluated: 2021-07-12. Review status: criteria provided, single submitter. Criteria: ACMG Guidelines, 2015. Collection method: clinical testing. Allele origin: unknown.

NM_145045.5(ODAD3):c.1606G>A (p.Glu536Lys)

Gene: ODAD3 (outer dynein arm docking complex subunit 3; minus strand). Cytogenetic location: 19p13.2.
Variant type: single nucleotide variant.
Coding change: c.1606G>A on transcript NM_145045.5 (MANE Select); coding-DNA position 1606, G replaced by A.
Protein change: p.Glu536Lys; replaces glutamic acid 536 with lysine.
Molecular consequence: missense variant.
Genome position (GRCh38, 1-based): chr19:11,421,197, C>T on the plus strand (G>A on the coding strand, the complement: ODAD3 is on the minus strand). VCF-style: chr19-11421197-C-T. GRCh37 (hg19) VCF-style: chr19-11531865-C-T.
Other names: c.1444G>A, p.Glu482Lys (NM_001302453.1); c.1426G>A, p.Glu476Lys (NM_001302454.2); short protein forms E536K, E476K, E482K.
Identifiers: ClinVar variation 566365 (VCV000566365.9), dbSNP rs201176850, ClinGen allele CA9211966.